The following is an entry in ClinVar:

NM_001164508.2(NEB):c.24295A>T (p.Ser8099Cys)

Genes: NEB (nebulin; minus strand), RIF1 (replication timing regulatory factor 1; plus strand). Cytogenetic location: 2q23.3.
Variant type: single nucleotide variant.
Coding change: c.24295A>T on transcript NM_001164508.2 (MANE Select); coding-DNA position 24295, A replaced by T.
Protein change: p.Ser8099Cys; replaces serine 8099 with cysteine.
Molecular consequence: missense variant. On other transcripts: intron variant (1).
Genome position (GRCh38, 1-based): chr2:151,497,631, T>A on the plus strand (A>T on the coding strand, the complement: NEB is on the minus strand). VCF-style: chr2-151497631-T-A. GRCh37 (hg19) VCF-style: chr2-152354145-T-A.
Other names: c.24295A>T, p.Ser8099Cys (NM_001164507.2); c.24400A>T, p.Ser8134Cys (NM_001271208.2); c.18826-1263A>T (NM_004543.5); short protein forms S8099C, S8134C.
Identifiers: ClinVar variation 1380340 (VCV001380340.5), dbSNP rs1489581077, ClinGen allele CA348778734.
Genomic context (GRCh38, chr2:151,497,631, plus strand): 5'-TGAAAGTTTTCAAAATCATTAAATAAGTAGTTTTTTTCTTTTCTTGCCAAAGTACCGAGC[T>A]AATATTTTCTTGATTGTGTTTGACTCTTTCCATCTCGGGAGTGACAGGTAAAGGGGTTCC-3'
Protein context (NP_001157980.2, residues 8089-8109): ERVKHNQENI[Ser8099Cys]SVLYKENMGK

ClinVar aggregate classification (germline): Uncertain significance (1 of 4 stars; one submission).

Conditions:
Nemaline myopathy 2 (NEM2). Also called: Nemaline myopathy 2, autosomal recessive. Identifiers: MedGen C1850569, MONDO:0009725, OMIM 256030.

Allele frequency attached by ClinVar (database versions not stated): gnomAD 0.00001; gnomAD exomes 0.00001; TOPMed 0.00001.
gnomAD v4.1: 3 of 1,573,354 alleles (0.00019%); highest among the groups gnomAD compares: Admixed American, 0.0056%; no homozygotes.

Submission:

Labcorp Genetics (formerly Invitae), Labcorp
Classification: Uncertain significance for Nemaline myopathy 2. Last evaluated: 2021-08-30. Review status: criteria provided, single submitter. Criteria: Invitae Variant Classification Sherloc (09022015). Collection method: clinical testing. Allele origin: germline.
Comment: This sequence change replaces serine with cysteine at codon 8134 of the NEB protein (p.Ser8134Cys). The serine residue is weakly conserved and there is a moderate physicochemical difference between serine and cysteine. This variant is not present in population databases (ExAC no frequency). This variant has not been reported in the literature in individuals affected with NEB-related conditions. Algorithms developed to predict the effect of missense changes on protein structure and function are either unavailable or do not agree on the potential impact of this missense change (SIFT: "Deleterious"; PolyPhen-2: "Not Available"; Align-GVGD: "Class C0"). In summary, the available evidence is currently insufficient to determine the role of this variant in disease. Therefore, it has been classified as a Variant of Uncertain Significance.